The following is an entry in ClinVar:

ClinVar aggregate classification (germline): Uncertain significance (1 of 4 stars; one submission).

Submission:

Labcorp Genetics (formerly Invitae), Labcorp
Classification: Uncertain significance. Last evaluated: 2022-07-05. Review status: criteria provided, single submitter. Criteria: Invitae Variant Classification Sherloc (09022015). Collection method: clinical testing. Allele origin: germline.
Comment: Algorithms developed to predict the effect of missense changes on protein structure and function are either unavailable or do not agree on the potential impact of this missense change (SIFT: "Deleterious"; PolyPhen-2: "Possibly Damaging"; Align-GVGD: "Class C15"). In summary, the available evidence is currently insufficient to determine the role of this variant in disease. Therefore, it has been classified as a Variant of Uncertain Significance. Algorithms developed to predict the effect of sequence changes on RNA splicing suggest that this variant may create or strengthen a splice site. This variant has not been reported in the literature in individuals affected with FGF20-related conditions. This variant is present in population databases (rs17550360, gnomAD 0.03%). This sequence change replaces aspartic acid, which is acidic and polar, with tyrosine, which is neutral and polar, at codon 206 of the FGF20 protein (p.Asp206Tyr).

NM_019851.3(FGF20):c.616G>T (p.Asp206Tyr)

Gene: FGF20 (fibroblast growth factor 20; minus strand). Cytogenetic location: 8p22.
Variant type: single nucleotide variant.
Coding change: c.616G>T on transcript NM_019851.3 (MANE Select); coding-DNA position 616, G replaced by T.
Protein change: p.Asp206Tyr; replaces aspartic acid 206 with tyrosine.
Molecular consequence: missense variant.
Genome position (GRCh38, 1-based): chr8:16,993,092, C>A on the plus strand (G>T on the coding strand, the complement: FGF20 is on the minus strand). VCF-style: chr8-16993092-C-A. GRCh37 (hg19) VCF-style: chr8-16850601-C-A.
Other names: short protein forms D206Y.
Identifiers: ClinVar variation 2177176 (VCV002177176.4), dbSNP rs17550360, ClinGen allele CA4641550.
Genomic context (GRCh38, chr8:16,993,092, plus strand): 5'-TGGTTGTGGTTTGACTCTTCCATAATGTCACTATCGCACTTCAAGTGTACATCAGTAGGT[C>A]CTTGTACAATTCTGGAACTCTTTCTGGATCCACTGGTCTAGGTAAGAAATGTGTAAATTT-3'
Protein context (NP_062825.1, residues 196-211): DPERVPELYK[Asp206Tyr]LLMYT